The following is an entry in ClinVar:

ClinVar aggregate classification (germline): Likely benign (0 of 4 stars; one submission).

Conditions:
EP300-related disorder. Also called: EP300-related disorders; EP300-related condition.

Submission:

PreventionGenetics, part of Exact Sciences
Classification: Likely benign for EP300-related condition. Last evaluated: 2021-12-08. Review status: no assertion criteria provided. Collection method: clinical testing. Allele origin: germline.
Comment: This variant is classified as likely benign based on ACMG/AMP sequence variant interpretation guidelines (Richards et al. 2015 PMID: 25741868, with internal and published modifications).

NM_001429.4(EP300):c.345A>G (p.Leu115=)

Gene: EP300 (E1A binding protein p300; plus strand). Cytogenetic location: 22q13.2.
Variant type: single nucleotide variant.
Coding change: c.345A>G on transcript NM_001429.4 (MANE Select); coding-DNA position 345, A replaced by G.
Protein change: p.Leu115=; no amino-acid change (leucine 115 retained).
Molecular consequence: synonymous variant.
Genome position (GRCh38, 1-based): chr22:41,117,437, A>G. VCF-style: chr22-41117437-A-G. GRCh37 (hg19) VCF-style: chr22-41513441-A-G.
Other names: c.345A>G, p.Leu115= (NM_001362843.2).
Identifiers: ClinVar variation 3355273 (VCV003355273.1).
Genomic context (GRCh38, chr22:41,117,437, plus strand): 5'-GGGAGTTGGTGGCCCAGGTCAAGTCATGGCCAGCCAGGCCCAACAGAGCAGTCCTGGATT[A>G]GGTTTGATAAATAGCATGGTCAAAAGCCCAATGACACAGGCAGGCTTGACTTCTCCCAAC-3'
Protein context (NP_001420.2, residues 105-125): ASQAQQSSPG[Leu115=]GLINSMVKSP